The following is an entry in ClinVar:

NM_000789.4(ACE):c.1445G>C (p.Arg482Pro)

Gene: ACE (angiotensin I converting enzyme; plus strand). Cytogenetic location: 17q23.3.
Variant type: single nucleotide variant.
Coding change: c.1445G>C on transcript NM_000789.4 (MANE Select); coding-DNA position 1445, G replaced by C.
Protein change: p.Arg482Pro; replaces arginine 482 with proline.
Molecular consequence: missense variant.
Genome position (GRCh38, 1-based): chr17:63,483,131, G>C. VCF-style: chr17-63483131-G-C. GRCh37 (hg19) VCF-style: chr17-61560492-G-C.
Other names: c.878G>C, p.Arg293Pro (NM_001382700.1); c.593G>C, p.Arg198Pro (NM_001382701.1); short protein forms R198P, R482P, R293P.
Identifiers: ClinVar variation 2460645 (VCV002460645.5), dbSNP rs757694144, ClinGen allele CA8699534.

ClinVar aggregate classification (germline): Uncertain significance. Review status: criteria provided, multiple submitters, no conflicts (2 of 4 stars). 3 submissions from 3 submitters: Uncertain significance (3). Last evaluated 2026-05-15.

Conditions:
Microvascular complications of diabetes, susceptibility to, 3. Identifiers: MedGen C2675470, MONDO:0012963, OMIM 612624.
Hemorrhage, intracerebral, susceptibility to (ICH). Also called: Stroke, hemorrhagic, susceptibility to. Identifiers: MedGen C3281105, MONDO:0100533, OMIM 614519.
Renal tubular dysgenesis of genetic origin. Also called: PRIMITIVE RENAL TUBULE SYNDROME. Identifiers: Orphanet 97369, MedGen C5681536, MONDO:0009970, OMIM 267430.
Inborn genetic diseases. Identifiers: MedGen C0950123, MeSH D030342.
ACE-related disorder. Also called: ACE-related condition; ACE-related disorders.

gnomAD v4.1: 80 of 1,613,892 alleles (0.005%); highest among the groups gnomAD compares: Non-Finnish European, 0.0065%; no homozygotes.

Submissions (3):

PreventionGenetics, part of Exact Sciences
Classification: Uncertain significance for ACE-related condition. Last evaluated: 2026-05-15. Review status: criteria provided, single submitter. Criteria: ACMG Guidelines, 2015. Collection method: clinical testing. Allele origin: germline.
Comment: The ACE c.1445G>C variant is predicted to result in the amino acid substitution p.Arg482Pro. To our knowledge, this variant has not been reported in the literature. This variant is reported in 0.012% of alleles in individuals of African descent in gnomAD. At this time, the clinical significance of this variant is uncertain due to the absence of conclusive functional and genetic evidence.

Ambry Genetics
Classification: Uncertain significance for Inborn genetic diseases. Last evaluated: 2025-09-24. Review status: criteria provided, single submitter. Criteria: Ambry Variant Classification Scheme 2023. Collection method: clinical testing. Allele origin: germline.

Fulgent Genetics
Classification: Uncertain significance for Renal tubular dysgenesis of genetic origin; Microvascular complications of diabetes, susceptibility to, 3; Hemorrhage, intracerebral, susceptibility to. Last evaluated: 2024-06-11. Review status: criteria provided, single submitter. Criteria: ACMG Guidelines, 2015. Collection method: clinical testing. Allele origin: germline.